The following is an entry in ClinVar:

ClinVar aggregate classification (germline): Benign. Review status: criteria provided, single submitter (1 of 4 stars). 2 submissions from 2 submitters: Benign (1). 1 of the submissions does not count toward it. Last evaluated 2024-08-12.

Conditions:
PRUNE1-related disorder. Also called: PRUNE1-related condition.

Allele frequency attached by ClinVar (database versions not stated): TOPMed 0.00012; ESP Exome Variant Server 0.00015; 1000 Genomes Project 30x 0.00125; gnomAD exomes 0.00137; 1000 Genomes Project 0.00160; gnomAD 0.00284; ExAC 0.00289.
gnomAD v4.1: 2,423 of 1,614,098 alleles (0.15%); highest among the groups gnomAD compares: Non-Finnish European, 0.022%; 45 homozygotes.

Submissions (2):

Labcorp Genetics (formerly Invitae), Labcorp
Classification: Benign. Last evaluated: 2024-08-12. Review status: criteria provided, single submitter. Criteria: Invitae Variant Classification Sherloc (09022015). Collection method: clinical testing. Allele origin: germline.

PreventionGenetics, part of Exact Sciences
Classification: Benign for PRUNE1-related condition. Last evaluated: 2019-06-13. Review status: no assertion criteria provided. Collection method: clinical testing. Allele origin: germline. Not counted in ClinVar's aggregate classification.
Comment: This variant is classified as benign based on ACMG/AMP sequence variant interpretation guidelines (Richards et al. 2015 PMID: 25741868, with internal and published modifications).

NM_021222.3(PRUNE1):c.460G>A (p.Glu154Lys)

Gene: PRUNE1 (prune exopolyphosphatase 1; plus strand). Cytogenetic location: 1q21.3.
Variant type: single nucleotide variant.
Coding change: c.460G>A on transcript NM_021222.3 (MANE Select); coding-DNA position 460, G replaced by A.
Protein change: p.Glu154Lys; replaces glutamic acid 154 with lysine.
Molecular consequence: missense variant. On other transcripts: 5 prime UTR variant (1), intron variant (1).
Genome position (GRCh38, 1-based): chr1:151,024,735, G>A. VCF-style: chr1-151024735-G-A. GRCh37 (hg19) VCF-style: chr1-150997211-G-A.
Other names: c.-87G>A (NM_001303229.2); c.460G>A, p.Glu154Lys (NM_001303242.2); c.77-2498G>A (NM_001303243.2); c.460G>A (NM_021222.2); short protein forms E154K.
Identifiers: ClinVar variation 2762701 (VCV002762701.5), dbSNP rs140659891, ClinGen allele CA1083790.